The following is an entry in ClinVar:

ClinVar aggregate classification (germline): Benign. Review status: criteria provided, multiple submitters, no conflicts (2 of 4 stars). 7 submissions from 6 submitters: Benign (7). Last evaluated 2026-02-04.

Conditions:
Epithelial recurrent erosion dystrophy (ERED). Also called: CORNEAL EROSIONS, RECURRING HEREDITARY. Identifiers: Orphanet 293381, MedGen C1852551, MONDO:0007381, OMIM 122400.
Junctional epidermolysis bullosa, non-Herlitz type. Also called: Adult junctional epidermolysis bullosa; COL17A1-Related Junctional Epidermolysis Bullosa; Epidermolysis bullosa, junctional, non-herlitz type, somatic mosaic revertant; EPIDERMOLYSIS BULLOSA JUNCTIONALIS, DISENTIS TYPE; EPIDERMOLYSIS BULLOSA JUNCTIONALIS, NON-HERLITZ TYPE; EPIDERMOLYSIS BULLOSA JUNCTIONALIS, PROGRESSIVE. Identifiers: Orphanet 251393, Orphanet 79402, Orphanet 79405, Orphanet 89840, MedGen C0268374, MONDO:0009180, OMIM 226650.

Allele frequency attached by ClinVar (database versions not stated): 1000 Genomes Project 30x 0.67817; 1000 Genomes Project 0.68351; ESP Exome Variant Server 0.71513; TOPMed 0.71578; gnomAD 0.71801 and 0.72098; ExAC 0.77687; gnomAD exomes 0.78215 and 0.81580.
gnomAD v4.1: 1,301,003 of 1,613,760 alleles (81%); highest among the groups gnomAD compares: East Asian, 84%; 530,165 homozygotes.

Submissions (7):

Labcorp Genetics (formerly Invitae), Labcorp
Classification: Benign. Last evaluated: 2026-02-04. Review status: criteria provided, single submitter. Criteria: Invitae Variant Classification Sherloc (09022015). Collection method: clinical testing. Allele origin: germline.

Genome-Nilou Lab
Classification: Benign for Junctional epidermolysis bullosa, non-Herlitz type. Last evaluated: 2021-07-22. Review status: criteria provided, single submitter. Criteria: ACMG Guidelines, 2015. Collection method: clinical testing. Allele origin: germline. Affected: no.

Genome-Nilou Lab
Classification: Benign for Epithelial recurrent erosion dystrophy. Last evaluated: 2021-07-22. Review status: criteria provided, single submitter. Criteria: ACMG Guidelines, 2015. Collection method: clinical testing. Allele origin: germline. Affected: no.

Illumina Laboratory Services, Illumina
Classification: Benign for Junctional epidermolysis bullosa, non-Herlitz type. Last evaluated: 2018-01-13. Review status: criteria provided, single submitter. Criteria: ICSL Variant Classification Criteria 13 December 2019. Collection method: clinical testing. Allele origin: germline.
Comment: This variant was observed in the ICSL laboratory as part of a predisposition screen in an ostensibly healthy population. It had not been previously curated by ICSL or reported in the Human Gene Mutation Database (HGMD: prior to June 1st, 2018), and was therefore a candidate for classification through an automated scoring system. Utilizing variant allele frequency, disease prevalence and penetrance estimates, and inheritance mode, an automated score was calculated to assess if this variant is too frequent to cause the disease. Based on the score and internal cut-off values, a variant classified as benign is not then subjected to further curation. The score for this variant resulted in a classification of benign for this disease.

GeneDx
Classification: Benign. Last evaluated: 2015-03-03. Review status: criteria provided, single submitter. Criteria: GeneDx Variant Classification Process June 2021. Collection method: clinical testing. Allele origin: germline. Affected: yes.

Breakthrough Genomics
Classification: Benign. Review status: criteria provided, single submitter. Criteria: ACMG Guidelines, 2015. Collection method: not provided. Allele origin: germline. Inheritance: Autosomal recessive inheritance. Affected: yes.

PreventionGenetics, part of Exact Sciences
Classification: Benign. Review status: criteria provided, single submitter. Criteria: ACMG Guidelines, 2015. Collection method: clinical testing. Allele origin: germline.

NM_000494.4(COL17A1):c.2883C>A (p.Pro961=)

Gene: COL17A1 (collagen type XVII alpha 1 chain; minus strand). Cytogenetic location: 10q25.1.
Variant type: single nucleotide variant.
Coding change: c.2883C>A on transcript NM_000494.4 (MANE Select); coding-DNA position 2883, C replaced by A.
Protein change: p.Pro961=; no amino-acid change (proline 961 retained).
Molecular consequence: synonymous variant.
Genome position (GRCh38, 1-based): chr10:104,039,458, G>T on the plus strand (C>A on the coding strand, the complement: COL17A1 is on the minus strand). VCF-style: chr10-104039458-G-T. GRCh37 (hg19) VCF-style: chr10-105799216-G-T.
Other names: c.2883C>A, p.Pro961= (LRG_1249t1).
Identifiers: ClinVar variation 256270 (VCV000256270.18), dbSNP rs2296219, ClinGen allele CA5678205.
Genomic context (GRCh38, chr10:104,039,458, plus strand): 5'-AGGCTCACCCCTACTCCTCACCACCTTCTCACTGCTCCCTCACTGACCTTTGTCACCTTT[G>T]GGTCCCTGGGGGCCAGGTGGGCCTGGTGGTCCCTGAAGGTTGAGTCCGAAAGAACTGGAC-3'
Protein context (NP_000485.3, residues 951-971): GPPGPPGPQG[Pro961=]KGDKGDPGVP